The following is an entry in ClinVar:

NM_144997.7(FLCN):c.873T>G (p.Asp291Glu)

Gene: FLCN (folliculin; minus strand). Cytogenetic location: 17p11.2.
Variant type: single nucleotide variant.
Coding change: c.873T>G on transcript NM_144997.7 (MANE Select); coding-DNA position 873, T replaced by G.
Protein change: p.Asp291Glu; replaces aspartic acid 291 with glutamic acid.
Molecular consequence: missense variant.
Genome position (GRCh38, 1-based): chr17:17,219,208, A>C on the plus strand (T>G on the coding strand, the complement: FLCN is on the minus strand). VCF-style: chr17-17219208-A-C. GRCh37 (hg19) VCF-style: chr17-17122522-A-C.
Other names: c.927T>G, p.Asp309Glu (NM_001353229.2); c.873T>G, p.Asp291Glu (NM_001353230.2, NM_001353231.2); short protein forms D291E, D309E.
Identifiers: ClinVar variation 822698 (VCV000822698.6), dbSNP rs767527483, ClinGen allele CA398533116.

ClinVar aggregate classification (germline): Uncertain significance. Review status: criteria provided, multiple submitters, no conflicts (2 of 4 stars). 2 submissions from 2 submitters: Uncertain significance (2). Last evaluated 2022-02-07.

Conditions:
Hereditary cancer-predisposing syndrome. Also called: Hereditary Cancer Syndrome; Neoplastic Syndromes, Hereditary; Hereditary neoplastic syndrome; Tumor predisposition. Identifiers: Orphanet 140162, MedGen C0027672, MeSH D009386, MONDO:0015356.
Birt-Hogg-Dube syndrome. Also called: Birt Hogg Dubé syndrome. Identifiers: Orphanet 122, MedGen C0346010, MONDO:0800444.

gnomAD v4.1: 37 of 1,613,804 alleles (0.0023%); highest among the groups gnomAD compares: Non-Finnish European, 0.0031%; no homozygotes.

Submissions (2):

Ambry Genetics
Classification: Uncertain significance for Hereditary cancer-predisposing syndrome. Last evaluated: 2022-02-07. Review status: criteria provided, single submitter. Criteria: Ambry Variant Classification Scheme 2023. Collection method: clinical testing. Allele origin: germline.
Comment: The p.D291E variant (also known as c.873T>G), located in coding exon 6 of the FLCN gene, results from a T to G substitution at nucleotide position 873. The aspartic acid at codon 291 is replaced by glutamic acid, an amino acid with highly similar properties. This amino acid position is highly conserved in available vertebrate species. In addition, this alteration is predicted to be tolerated by in silico analysis. Since supporting evidence is limited at this time, the clinical significance of this alteration remains unclear.

Labcorp Genetics (formerly Invitae), Labcorp
Classification: Uncertain significance for Birt-Hogg-Dube syndrome. Last evaluated: 2021-08-20. Review status: criteria provided, single submitter. Criteria: Invitae Variant Classification Sherloc (09022015). Collection method: clinical testing. Allele origin: germline.
Comment: This sequence change replaces aspartic acid with glutamic acid at codon 291 of the FLCN protein (p.Asp291Glu). The aspartic acid residue is moderately conserved and there is a small physicochemical difference between aspartic acid and glutamic acid. This variant is not present in population databases (ExAC no frequency). This variant has not been reported in the literature in individuals affected with FLCN-related conditions. Algorithms developed to predict the effect of missense changes on protein structure and function output the following: SIFT: "Tolerated"; PolyPhen-2: "Benign"; Align-GVGD: "Class C0". The glutamic acid amino acid residue is found in multiple mammalian species, which suggests that this missense change does not adversely affect protein function. In summary, the available evidence is currently insufficient to determine the role of this variant in disease. Therefore, it has been classified as a Variant of Uncertain Significance.